The following is an entry in ClinVar:

ClinVar aggregate classification (germline): Likely pathogenic (1 of 4 stars; one submission).

Conditions:
Maple syrup urine disease (MSUD). Identifiers: Orphanet 511, MedGen C0024776, MeSH D008375, MONDO:0009563. Disease mechanism: loss of function.

Allele frequency attached by ClinVar (database versions not stated): gnomAD exomes below 0.00001.
gnomAD v4.1: 1 of 1,602,994 alleles (0.000062%); highest among the groups gnomAD compares: Admixed American, 0.0017%; no homozygotes.

Submission:

Labcorp Genetics (formerly Invitae), Labcorp
Classification: Likely pathogenic for Maple syrup urine disease. Last evaluated: 2022-11-30. Review status: criteria provided, single submitter. Criteria: Invitae Variant Classification Sherloc (09022015). Collection method: clinical testing. Allele origin: germline.
Comment: This sequence change affects an acceptor splice site in intron 9 of the DBT gene. It is expected to disrupt RNA splicing. Variants that disrupt the donor or acceptor splice site typically lead to a loss of protein function (PMID: 16199547), and loss-of-function variants in DBT are known to be pathogenic (PMID: 16579849, 16786533). The frequency data for this variant in the population databases is considered unreliable, as metrics indicate poor data quality at this position in the gnomAD database. This variant has not been reported in the literature in individuals affected with DBT-related conditions. Algorithms developed to predict the effect of sequence changes on RNA splicing suggest that this variant may disrupt the consensus splice site. In summary, the currently available evidence indicates that the variant is pathogenic, but additional data are needed to prove that conclusively. Therefore, this variant has been classified as Likely Pathogenic.

Literature cited by the submitters: PubMed 16199547; PubMed 16579849; PubMed 16786533.

NM_001918.5(DBT):c.1210-1G>C

Gene: DBT (dihydrolipoamide branched chain transacylase E2; minus strand). Cytogenetic location: 1p21.2.
Variant type: single nucleotide variant.
Coding change: c.1210-1G>C on transcript NM_001918.5 (MANE Select); the canonical splice acceptor site of the intron before coding-DNA position 1210, G replaced by C.
Molecular consequence: splice acceptor variant.
Genome position (GRCh38, 1-based): chr1:100,206,302, C>G on the plus strand (G>C on the coding strand, the complement: DBT is on the minus strand). VCF-style: chr1-100206302-C-G. GRCh37 (hg19) VCF-style: chr1-100671858-C-G.
Other names: c.667-1G>C (NM_001399972.1, NM_001399969.1).
Identifiers: ClinVar variation 1930031 (VCV001930031.6), dbSNP rs1271011315, ClinGen allele CA341330200.